The following is an entry in ClinVar:

NC_000007.13:g.(?_23145646)_(23213917_?)dup

Gene: KLHL7 (kelch like family member 7; plus strand). Cytogenetic location: 7p15.3.
Variant type: Duplication.
Identifiers: ClinVar variation 3245860 (VCV003245860.1).

ClinVar aggregate classification (germline): Uncertain significance (1 of 4 stars; one submission).

Submission:

Labcorp Genetics (formerly Invitae), Labcorp
Classification: Uncertain significance. Last evaluated: 2022-08-23. Review status: criteria provided, single submitter. Criteria: Invitae Variant Classification Sherloc (09022015). Collection method: clinical testing. Allele origin: unknown.
Comment: This variant has not been reported in the literature in individuals affected with KLHL7-related conditions. In summary, the available evidence is currently insufficient to determine the role of this variant in disease. Therefore, it has been classified as a Variant of Uncertain Significance. A copy number gain of the genomic region encompassing the full coding sequence of the KLHL7 gene has been identified. The boundaries of this event are unknown as they extend beyond the assayed region for this gene and therefore may encompass additional genes. As the precise location of this event is unknown, it may be in tandem or it may be located elsewhere in the genome.